The following is an entry in ClinVar:

NM_001010874.5(TECRL):c.199G>A (p.Ala67Thr)

Gene: TECRL (trans-2,3-enoyl-CoA reductase like; minus strand). Cytogenetic location: 4q13.1.
Variant type: single nucleotide variant.
Coding change: c.199G>A on transcript NM_001010874.5 (MANE Select); coding-DNA position 199, G replaced by A.
Protein change: p.Ala67Thr; replaces alanine 67 with threonine.
Molecular consequence: missense variant.
Genome position (GRCh38, 1-based): chr4:64,409,153, C>T on the plus strand (G>A on the coding strand, the complement: TECRL is on the minus strand). VCF-style: chr4-64409153-C-T. GRCh37 (hg19) VCF-style: chr4-65274871-C-T.
Other names: c.199G>A, p.Ala67Thr (NM_001363796.1); short protein forms A67T.
Identifiers: ClinVar variation 2449411 (VCV002449411.2), dbSNP rs1481758728, ClinGen allele CA357148800.

ClinVar aggregate classification (germline): Uncertain significance (1 of 4 stars; one submission).

Conditions:
Cardiovascular phenotype. Identifiers: MedGen CN230736.

Allele frequency attached by ClinVar (database versions not stated): gnomAD exomes below 0.00001; TOPMed below 0.00001.
gnomAD v4.1: 2 of 1,612,868 alleles (0.00012%); highest among the groups gnomAD compares: Non-Finnish European, 0.00017%; no homozygotes.

Submission:

Ambry Genetics
Classification: Uncertain significance for Cardiovascular phenotype. Last evaluated: 2023-02-11. Review status: criteria provided, single submitter. Criteria: Ambry Variant Classification Scheme 2023. Collection method: clinical testing. Allele origin: germline.
Comment: The p.A67T variant (also known as c.199G>A), located in coding exon 1 of the TECRL gene, results from a G to A substitution at nucleotide position 199. The alanine at codon 67 is replaced by threonine, an amino acid with similar properties. This amino acid position is conserved. In addition, this alteration is predicted to be tolerated by in silico analysis. Since supporting evidence is limited at this time, the clinical significance of this alteration remains unclear.